The following is an entry in ClinVar:

ClinVar aggregate classification (germline): Uncertain significance. Review status: criteria provided, multiple submitters, no conflicts (2 of 4 stars). 2 submissions from 2 submitters: Uncertain significance (2). Last evaluated 2023-10-25.

Conditions:
Familial adenomatous polyposis 1 (FAP1). Also called: POLYPOSIS, ADENOMATOUS INTESTINAL; FAMILIAL ADENOMATOUS POLYPOSIS 1, ATTENUATED. Identifiers: MedGen C2713442, MONDO:0021056, OMIM 175100. Disease mechanism: loss of function.
Hereditary cancer-predisposing syndrome. Also called: Neoplastic Syndromes, Hereditary; Hereditary Cancer Syndrome; Tumor predisposition; Hereditary neoplastic syndrome. Identifiers: Orphanet 140162, MedGen C0027672, MeSH D009386, MONDO:0015356.

gnomAD v4.1: 4 of 1,614,014 alleles (0.00025%); highest among the groups gnomAD compares: Admixed American, 0.0017%; no homozygotes.

Submissions (2):

Ambry Genetics
Classification: Uncertain significance for Hereditary cancer-predisposing syndrome. Last evaluated: 2023-10-25. Review status: criteria provided, single submitter. Criteria: Ambry Variant Classification Scheme 2023. Collection method: clinical testing. Allele origin: germline.
Comment: The p.G1339C variant (also known as c.4015G>T), located in coding exon 15 of the APC gene, results from a G to T substitution at nucleotide position 4015. The glycine at codon 1339 is replaced by cysteine, an amino acid with highly dissimilar properties. This amino acid position is poorly conserved in available vertebrate species. In addition, in silico predictors for this gene do not accurately predict pathogenicity. Since supporting evidence is limited at this time, the clinical significance of this alteration remains unclear.

Labcorp Genetics (formerly Invitae), Labcorp
Classification: Uncertain significance for Familial adenomatous polyposis 1. Last evaluated: 2022-10-13. Review status: criteria provided, single submitter. Criteria: Invitae Variant Classification Sherloc (09022015). Collection method: clinical testing. Allele origin: germline.
Comment: This variant is not present in population databases (gnomAD no frequency). In summary, the available evidence is currently insufficient to determine the role of this variant in disease. Therefore, it has been classified as a Variant of Uncertain Significance. Advanced modeling of protein sequence and biophysical properties (such as structural, functional, and spatial information, amino acid conservation, physicochemical variation, residue mobility, and thermodynamic stability) performed at Invitae indicates that this missense variant is not expected to disrupt APC protein function. ClinVar contains an entry for this variant (Variation ID: 572932). This variant has not been reported in the literature in individuals affected with APC-related conditions. This sequence change replaces glycine, which is neutral and non-polar, with cysteine, which is neutral and slightly polar, at codon 1339 of the APC protein (p.Gly1339Cys).

NM_000038.6(APC):c.4015G>T (p.Gly1339Cys)

Gene: APC (APC regulator of Wnt signaling pathway; plus strand). Cytogenetic location: 5q22.2.
Variant type: single nucleotide variant.
Coding change: c.4015G>T on transcript NM_000038.6 (MANE Select); coding-DNA position 4015, G replaced by T.
Protein change: p.Gly1339Cys; replaces glycine 1339 with cysteine.
Molecular consequence: missense variant.
Genome position (GRCh38, 1-based): chr5:112,839,609, G>T. VCF-style: chr5-112839609-G-T. GRCh37 (hg19) VCF-style: chr5-112175306-G-T.
Other names: c.4015G>T, p.Gly1339Cys (NM_001127510.3, NM_001354895.2); c.3961G>T, p.Gly1321Cys (NM_001127511.3); c.4069G>T, p.Gly1357Cys (NM_001354896.2); c.4045G>T, p.Gly1349Cys (NM_001354897.2); c.3940G>T, p.Gly1314Cys (NM_001354898.2); c.3931G>T, p.Gly1311Cys (NM_001354899.2); c.3892G>T, p.Gly1298Cys (NM_001354900.2); c.3838G>T, p.Gly1280Cys (NM_001354901.2); and 5 more; short protein forms G1339C, G1321C, G1056C, G1280C, G1314C, G1357C, G1179C, G1238C.
Identifiers: ClinVar variation 572932 (VCV000572932.12), dbSNP rs876658310, ClinGen allele CA16030134.